The following is an entry in ClinVar:

ClinVar aggregate classification (germline): Likely benign (1 of 4 stars; one submission).

Conditions:
Intellectual disability. Also called: Intellectual functioning disability; intellectual disabilities; Intellectual developmental disorder. Identifiers: MedGen C3714756, MeSH D008607, MONDO:0001071, HP:0001249.

Submission:

Centre for Medical Genetics,  Mumbai
Classification: Likely benign for Intellectual disability. Last evaluated: 2026-03-13. Review status: criteria provided, single submitter. Criteria: ACMG Guidelines, 2015. Collection method: provider interpretation. Allele origin: germline. Inheritance: Autosomal dominant inheritance. Affected: no. Observed: 1 variant allele, 1 heterozygote.
Comment: The variant satisfies PM2 criteria; Extremely low frequency in gnomAD population databases. The variant satisfies PVS1 criteria; Null variant in a gene where loss of function is a known mechanism of disease However, the variant satisfies BS2 criteria.

Literature cited by the submitters: PubMed 15996548.

NM_004440.4(EPHA7):c.2533-1G>T

Gene: EPHA7 (EPH receptor A7; minus strand). Cytogenetic location: 6q16.1.
Variant type: single nucleotide variant.
Coding change: c.2533-1G>T on transcript NM_004440.4 (MANE Select); the canonical splice acceptor site of the intron before coding-DNA position 2533, G replaced by T.
Molecular consequence: splice acceptor variant.
Genome position (GRCh38, 1-based): chr6:93,246,986, C>A on the plus strand (G>T on the coding strand, the complement: EPHA7 is on the minus strand). VCF-style: chr6-93246986-C-A. GRCh37 (hg19) VCF-style: chr6-93956704-C-A.
Other names: c.2506-1G>T (NM_001376466.1); c.2518-1G>T (NM_001288629.2); c.2521-1G>T (NM_001376465.1); c.2305-1G>T (NM_001376470.1).
Identifiers: ClinVar variation 4819441 (VCV004819441.1).
Genomic context (GRCh38, chr6:93,246,986, plus strand): 5'-GCCAGCTGGGCAGTCCATGGGTGCTGGTAAACGATAACCTTCTTCTATTGCTTTTATAAC[C>A]TAATAGCCAAAAGGACATTACAAATATTACTGATTTAGGTTCAATTATAATAAACCAAAT-3'